The following is an entry in ClinVar:

NM_003072.5(SMARCA4):c.4424+5G>C

Gene: SMARCA4 (SWI/SNF related BAF chromatin remodeling complex subunit ATPase 4; plus strand). Cytogenetic location: 19p13.2.
Variant type: single nucleotide variant.
Coding change: c.4424+5G>C on transcript NM_003072.5 (MANE Select); 5 bases into the intron after coding-DNA position 4424, G replaced by C.
Molecular consequence: intron variant.
Genome position (GRCh38, 1-based): chr19:11,041,565, G>C. VCF-style: chr19-11041565-G-C. GRCh37 (hg19) VCF-style: chr19-11152241-G-C.
Other names: c.4424+5G>C (NM_001128844.3); c.4520+5G>C (NM_001128849.3, NM_001387283.1); c.4325+5G>C (NM_001128847.4, NM_001374457.1, NM_001128848.2); c.4421+5G>C (NM_001411150.1); c.4334+5G>C (NM_001128845.2, NM_001128846.2).
Identifiers: ClinVar variation 3233125 (VCV003233125.1), dbSNP rs756617788, ClinGen allele CA2825002746.

ClinVar aggregate classification (germline): Uncertain significance (1 of 4 stars; one submission).

Conditions:
Hereditary cancer-predisposing syndrome. Also called: Neoplastic Syndromes, Hereditary; Tumor predisposition; Hereditary neoplastic syndrome; Hereditary Cancer Syndrome. Identifiers: Orphanet 140162, MedGen C0027672, MeSH D009386, MONDO:0015356.

Submission:

Ambry Genetics
Classification: Uncertain significance for Hereditary cancer-predisposing syndrome. Last evaluated: 2023-12-12. Review status: criteria provided, single submitter. Criteria: Ambry Variant Classification Scheme 2023. Collection method: clinical testing. Allele origin: germline.
Comment: The c.4520+5G>C intronic variant results from a G to C substitution 5 nucleotides after coding exon 30 in the SMARCA4 gene. This nucleotide position is highly conserved in available vertebrate species. In silico splice site analysis predicts that this alteration will not have any significant effect on splicing. Since supporting evidence is limited at this time, the clinical significance of this alteration remains unclear.